The following is an entry in ClinVar:

ClinVar aggregate classification (germline): Benign (1 of 4 stars; one submission).

Conditions:
Thyroid hormone resistance, generalized, autosomal dominant (GRTHD). Also called: HYPERTHYROXINEMIA, FAMILIAL EUTHYROID, SECONDARY TO PITUITARY AND PERIPHERAL RESISTANCE TO THYROID HORMONES. Identifiers: MedGen C2937288, MONDO:0008569, OMIM 188570.

Allele frequency attached by ClinVar (database versions not stated): gnomAD 0.00094 and 0.00101; TOPMed 0.00114; 1000 Genomes Project 0.00140; 1000 Genomes Project 30x 0.00203.

Submission:

Illumina Laboratory Services, Illumina
Classification: Benign for Thyroid hormone resistance, generalized, autosomal dominant. Last evaluated: 2018-01-13. Review status: criteria provided, single submitter. Criteria: ICSL Variant Classification Criteria 13 December 2019. Collection method: clinical testing. Allele origin: germline.
Comment: This variant was observed in the ICSL laboratory as part of a predisposition screen in an ostensibly healthy population. It had not been previously curated by ICSL or reported in the Human Gene Mutation Database (HGMD: prior to June 1st, 2018), and was therefore a candidate for classification through an automated scoring system. Utilizing variant allele frequency, disease prevalence and penetrance estimates, and inheritance mode, an automated score was calculated to assess if this variant is too frequent to cause the disease. Based on the score and internal cut-off values, a variant classified as benign is not then subjected to further curation. The score for this variant resulted in a classification of benign for this disease.

NM_001354712.2(THRB):c.*1561T>G

Gene: THRB (thyroid hormone receptor beta; minus strand). Cytogenetic location: 3p24.2.
Variant type: single nucleotide variant.
Coding change: c.*1561T>G on transcript NM_001354712.2 (MANE Select); 1561 bases downstream of the stop codon, T replaced by G.
Molecular consequence: 3 prime UTR variant.
Genome position (GRCh38, 1-based): chr3:24,121,323, A>C on the plus strand (T>G on the coding strand, the complement: THRB is on the minus strand). VCF-style: chr3-24121323-A-C. GRCh37 (hg19) VCF-style: chr3-24162814-A-C.
Other names: c.*1561T>G (NM_000461.5, NM_001128176.3, NM_001128177.2 and 8 more transcripts).
Identifiers: ClinVar variation 344610 (VCV000344610.5), dbSNP rs367583791, ClinGen allele CA10617966.
Genomic context (GRCh38, chr3:24,121,323, plus strand): 5'-GAACTCAGGCACCCAGACTTCTGGGCCAGTTATGCTCCACCAAACTTACAAAAAGCATCT[A>C]CTTGGTTTCCATAGTGACTTTCCTTCCTTTGTTTTTAGGTAAATCTCACTGATATGGCTT-3'